The following is an entry in ClinVar:

ClinVar aggregate classification (germline): Likely benign (1 of 4 stars; one submission).

gnomAD v4.1: 5 of 1,524,842 alleles (0.00033%); highest among the groups gnomAD compares: Admixed American, 0.006%; no homozygotes.

Submission:

CeGaT Center for Human Genetics Tuebingen
Classification: Likely benign. Last evaluated: 2024-09-01. Review status: criteria provided, single submitter. Criteria: CeGaT Center For Human Genetics Tuebingen Variant Classification Criteria Version 2. Collection method: clinical testing. Allele origin: germline. Affected: yes. Observed: 1 variant allele.
Comment: TERB1: BP4, BP7

NM_001136505.2(TERB1):c.819G>C (p.Val273=)

Gene: TERB1 (telomere repeat binding bouquet formation protein 1; minus strand). Cytogenetic location: 16q22.1.
Variant type: single nucleotide variant.
Coding change: c.819G>C on transcript NM_001136505.2 (MANE Select); coding-DNA position 819, G replaced by C.
Protein change: p.Val273=; no amino-acid change (valine 273 retained).
Molecular consequence: synonymous variant.
Genome position (GRCh38, 1-based): chr16:66,778,897, C>G on the plus strand (G>C on the coding strand, the complement: TERB1 is on the minus strand). VCF-style: chr16-66778897-C-G. GRCh37 (hg19) VCF-style: chr16-66812800-C-G.
Identifiers: ClinVar variation 3388875 (VCV003388875.14).